The following is an entry in ClinVar:

ClinVar aggregate classification (germline): Benign/Likely benign. Review status: criteria provided, multiple submitters, no conflicts (2 of 4 stars). 3 submissions from 3 submitters: Benign (1); Likely benign (2). Last evaluated 2025-03-12.

Conditions:
Hereditary cancer-predisposing syndrome. Also called: Tumor predisposition; Neoplastic Syndromes, Hereditary; Hereditary Cancer Syndrome; Hereditary neoplastic syndrome. Identifiers: Orphanet 140162, MedGen C0027672, MeSH D009386, MONDO:0015356.
Pheochromocytoma. Also called: MAX-Related Hereditary Paraganglioma-Pheochromocytoma Syndrome. Identifiers: Orphanet 29072, MedGen C0031511, MONDO:0008233, OMIM 171300, HP:0002666.
Pheochromocytoma/paraganglioma syndrome 4. Also called: PHEOCHROMOCYTOMA, FAMILIAL EXTRAADRENAL; CAROTID BODY TUMORS AND MULTIPLE EXTRAADRENAL PHEOCHROMOCYTOMAS; PARAGANGLIOMA, FAMILIAL MALIGNANT; PARAGANGLIOMAS, HEREDITARY EXTRAADRENAL; Paragangliomas 4; SDHB-Related Hereditary Paraganglioma-Pheochromocytoma Syndrome (Paragangliomas 4). Identifiers: Orphanet 29072, MedGen C1861848, MONDO:0007273, OMIM 115310.
Gastrointestinal stromal tumor. Also called: Gastrointestinal stromal tumor, somatic; Gastrointestinal stroma tumor. Identifiers: Orphanet 44890, MedGen C0238198, MeSH D046152, MONDO:0011719, OMIM 606764, HP:0100723.

gnomAD v4.1: 1 of 1,613,036 alleles (0.000062%); no homozygotes.

Submissions (3):

Myriad Genetics, Inc.
Classification: Benign for Pheochromocytoma/paraganglioma syndrome 4. Last evaluated: 2025-03-12. Review status: criteria provided, single submitter. Criteria: Myriad Autosomal Dominant, Autosomal Recessive and X-Linked Classification Criteria (2023). Collection method: clinical testing. Allele origin: unknown.
Comment: This variant is considered benign. This variant is a silent/synonymous amino acid change and it is not expected to impact splicing.

Labcorp Genetics (formerly Invitae), Labcorp
Classification: Likely benign for Gastrointestinal stromal tumor; Pheochromocytoma/paraganglioma syndrome 4; Pheochromocytoma. Last evaluated: 2024-02-01. Review status: criteria provided, single submitter. Criteria: Invitae Variant Classification Sherloc (09022015). Collection method: clinical testing. Allele origin: germline.

Ambry Genetics
Classification: Likely benign for Hereditary cancer-predisposing syndrome. Last evaluated: 2020-03-10. Review status: criteria provided, single submitter. Criteria: Ambry Variant Classification Scheme 2023. Collection method: clinical testing. Allele origin: germline.

NM_003000.3(SDHB):c.33C>G (p.Arg11=)

Gene: SDHB (succinate dehydrogenase complex iron sulfur subunit B; minus strand). Cytogenetic location: 1p36.13.
Variant type: single nucleotide variant.
Coding change: c.33C>G on transcript NM_003000.3 (MANE Select); coding-DNA position 33, C replaced by G.
Protein change: p.Arg11=; no amino-acid change (arginine 11 retained).
Molecular consequence: synonymous variant.
Genome position (GRCh38, 1-based): chr1:17,053,987, G>C on the plus strand (C>G on the coding strand, the complement: SDHB is on the minus strand). VCF-style: chr1-17053987-G-C. GRCh37 (hg19) VCF-style: chr1-17380482-G-C.
Identifiers: ClinVar variation 1551440 (VCV001551440.11), dbSNP rs146399542, ClinGen allele CA416048740.